The following is an entry in ClinVar:

ClinVar aggregate classification (germline): Uncertain significance (1 of 4 stars; one submission).

Submission:

GeneDx
Classification: Uncertain significance. Last evaluated: 2026-05-06. Review status: criteria provided, single submitter. Criteria: GeneDx Variant Classification Process June 2021. Collection method: clinical testing. Allele origin: germline.
Comment: Not observed at significant frequency in large population cohorts (gnomAD); In silico analysis supports that this missense variant has a deleterious effect on protein structure/function; This substitution is predicted to be within the pore forming loop between the S5 and S6 transmembrane segments of the second homologous domain; Has not been previously published as pathogenic or benign to our knowledge

NM_001330260.2(SCN8A):c.2794G>T (p.Val932Leu)

Gene: SCN8A (sodium voltage-gated channel alpha subunit 8; plus strand). Cytogenetic location: 12q13.13.
Variant type: single nucleotide variant.
Coding change: c.2794G>T on transcript NM_001330260.2 (MANE Select); coding-DNA position 2794, G replaced by T.
Protein change: p.Val932Leu; replaces valine 932 with leucine.
Molecular consequence: missense variant.
Genome position (GRCh38, 1-based): chr12:51,765,920, G>T. VCF-style: chr12-51765920-G-T. GRCh37 (hg19) VCF-style: chr12-52159704-G-T.
Other names: c.2794G>T, p.Val932Leu (NM_001177984.3, NM_001369788.1, NM_014191.4); short protein forms V932L.
Identifiers: ClinVar variation 3361775 (VCV003361775.2).
Genomic context (GRCh38, chr12:51,765,920, plus strand): 5'-TGTGAACTCCCTCGCTGGCATATGCATGACTTTTTCCATTCCTTCCTCATTGTCTTTCGA[G>T]TGTTGTGCGGGGAGTGGATTGAGACCATGTGGGACTGCATGGAAGTGGCAGGCCAGGCCA-3'
Protein context (NP_001317189.1, residues 922-942): FFHSFLIVFR[Val932Leu]LCGEWIETMW